The following is an entry in ClinVar:

NM_001038603.3(MARVELD2):c.808A>C (p.Ile270Leu)

Gene: MARVELD2 (MARVEL domain containing 2; plus strand). Cytogenetic location: 5q13.2.
Variant type: single nucleotide variant.
Coding change: c.808A>C on transcript NM_001038603.3 (MANE Select); coding-DNA position 808, A replaced by C.
Protein change: p.Ile270Leu; replaces isoleucine 270 with leucine.
Molecular consequence: missense variant.
Genome position (GRCh38, 1-based): chr5:69,420,193, A>C. VCF-style: chr5-69420193-A-C. GRCh37 (hg19) VCF-style: chr5-68716020-A-C.
Other names: c.808A>C, p.Ile270Leu (NM_001244734.2); short protein forms I270L.
Identifiers: ClinVar variation 290785 (VCV000290785.16), dbSNP rs139234053, ClinGen allele CA3294120.

ClinVar aggregate classification (germline): Conflicting classifications of pathogenicity. Review status: criteria provided, conflicting classifications (1 of 4 stars). 6 submissions from 6 submitters: Uncertain significance (5); Likely benign (1). Last evaluated 2026-01-05.

Conditions:
MARVELD2-related disorder. Also called: MARVELD2-related condition.
Autosomal recessive nonsyndromic hearing loss 49. Also called: Deafness, neurosensory, autosomal recessive 49. Identifiers: Orphanet 90636, MedGen C1857811, MONDO:0012420, OMIM 610153.

Allele frequency attached by ClinVar (database versions not stated): gnomAD 0.00009 and 0.00010; gnomAD exomes 0.00011 and 0.00029; ESP Exome Variant Server 0.00015; ExAC 0.00018; TOPMed 0.00020.
gnomAD v4.1: 185 of 1,614,002 alleles (0.011%); highest among the groups gnomAD compares: Middle Eastern, 0.33%; 1 homozygote.

Submissions (6):

PreventionGenetics, part of Exact Sciences
Classification: Uncertain significance for MARVELD2-related condition. Last evaluated: 2026-01-05. Review status: criteria provided, single submitter. Criteria: ACMG Guidelines, 2015. Collection method: clinical testing. Allele origin: germline.
Comment: The MARVELD2 c.808A>C variant is predicted to result in the amino acid substitution p.Ile270Leu. To our knowledge, this variant has not been reported in the literature. This variant is reported in 0.14% of alleles in individuals of Latino descent in gnomAD. Although we suspect that this variant may be benign, at this time, the clinical significance of this variant is uncertain due to the absence of conclusive functional and genetic evidence.

Blueprint Genetics
Classification: Uncertain significance. Last evaluated: 2024-09-18. Review status: criteria provided, single submitter. Criteria: ACMG Guidelines, 2015. Collection method: clinical testing. Allele origin: germline.

Labcorp Genetics (formerly Invitae), Labcorp
Classification: Uncertain significance. Last evaluated: 2022-10-25. Review status: criteria provided, single submitter. Criteria: Invitae Variant Classification Sherloc (09022015). Collection method: clinical testing. Allele origin: germline.
Comment: This sequence change replaces isoleucine, which is neutral and non-polar, with leucine, which is neutral and non-polar, at codon 270 of the MARVELD2 protein (p.Ile270Leu). This variant is present in population databases (rs139234053, gnomAD 0.1%). This variant has not been reported in the literature in individuals affected with MARVELD2-related conditions. ClinVar contains an entry for this variant (Variation ID: 290785). Advanced modeling of protein sequence and biophysical properties (such as structural, functional, and spatial information, amino acid conservation, physicochemical variation, residue mobility, and thermodynamic stability) performed at Invitae indicates that this missense variant is not expected to disrupt MARVELD2 protein function. In summary, the available evidence is currently insufficient to determine the role of this variant in disease. Therefore, it has been classified as a Variant of Uncertain Significance.

GeneDx
Classification: Likely benign. Last evaluated: 2019-10-15. Review status: criteria provided, single submitter. Criteria: GeneDx Variant Classification Process June 2021. Collection method: clinical testing. Allele origin: germline. Affected: yes.

Illumina Laboratory Services, Illumina
Classification: Uncertain significance for Autosomal recessive nonsyndromic hearing loss 49. Last evaluated: 2018-01-12. Review status: criteria provided, single submitter. Criteria: ICSL Variant Classification Criteria 13 December 2019. Collection method: clinical testing. Allele origin: germline.

Eurofins Ntd Llc (ga)
Classification: Uncertain significance. Last evaluated: 2016-08-26. Review status: criteria provided, single submitter. Criteria: EGL Classification Definitions 2015. Collection method: clinical testing. Allele origin: germline. Observed: 1 variant allele, 1 heterozygote.